The following is an entry in ClinVar:

ClinVar aggregate classification (germline): Uncertain significance. Review status: criteria provided, single submitter (1 of 4 stars). 2 submissions from 2 submitters: Uncertain significance (1). 1 of the submissions does not count toward it. Last evaluated 2021-08-30.

Conditions:
Mucopolysaccharidosis, MPS-III-C (MPS3C). Also called: MPS IIIC (Sanfilippo Syndrome Type C); MUCOPOLYSACCHARIDOSIS, TYPE IIIC; Mucopolysaccharidosis type IIIC (Sanfilippo C); mucopolysaccharidosis type 3C; SANFILIPPO SYNDROME C; MPS III C. Identifiers: Orphanet 581, Orphanet 79271, MedGen C0086649, MONDO:0009657, OMIM 252930.
Retinitis pigmentosa 73 (RP73). Identifiers: Orphanet 791, MedGen C4225287, MONDO:0014687, OMIM 616544.

Allele frequency attached by ClinVar (database versions not stated): TOPMed 0.00001; gnomAD 0.00001.

Submissions (2):

Labcorp Genetics (formerly Invitae), Labcorp
Classification: Uncertain significance for Retinitis pigmentosa 73; Mucopolysaccharidosis, MPS-III-C. Last evaluated: 2021-08-30. Review status: criteria provided, single submitter. Criteria: Invitae Variant Classification Sherloc (09022015). Collection method: clinical testing. Allele origin: germline.
Comment: This sequence change replaces aspartic acid with glycine at codon 220 of the HGSNAT protein (p.Asp220Gly). The aspartic acid residue is weakly conserved and there is a moderate physicochemical difference between aspartic acid and glycine. This variant is not present in population databases (ExAC no frequency). This variant has not been reported in the literature in individuals affected with HGSNAT-related conditions. Algorithms developed to predict the effect of missense changes on protein structure and function output the following: SIFT: "Tolerated"; PolyPhen-2: "Benign"; Align-GVGD: "Class C0". The glycine amino acid residue is found in multiple mammalian species, which suggests that this missense change does not adversely affect protein function. In summary, the available evidence is currently insufficient to determine the role of this variant in disease. Therefore, it has been classified as a Variant of Uncertain Significance.

Natera, Inc.
Classification: Uncertain significance for Mucopolysaccharidosis type IIIC. Last evaluated: 2020-04-14. Review status: no assertion criteria provided. Collection method: clinical testing. Allele origin: germline. Not counted in ClinVar's aggregate classification.

NM_152419.3(HGSNAT):c.659A>G (p.Asp220Gly)

Gene: HGSNAT (heparan-alpha-glucosaminide N-acetyltransferase; plus strand). Cytogenetic location: 8p11.21.
Variant type: single nucleotide variant.
Coding change: c.659A>G on transcript NM_152419.3 (MANE Select); coding-DNA position 659, A replaced by G.
Protein change: p.Asp220Gly; replaces aspartic acid 220 with glycine.
Molecular consequence: missense variant. On other transcripts: 5 prime UTR variant (1).
Genome position (GRCh38, 1-based): chr8:43,170,610, A>G. VCF-style: chr8-43170610-A-G. GRCh37 (hg19) VCF-style: chr8-43025753-A-G.
Other names: c.659A>G, p.Asp220Gly (NM_001363227.2, NM_001363228.2); c.-175A>G (NM_001363229.2); short protein forms D220G.
Identifiers: ClinVar variation 1018724 (VCV001018724.3), dbSNP rs1803591916, ClinGen allele CA371116110.
Genomic context (GRCh38, chr8:43,170,610, plus strand): 5'-TATGAGTTGTCATCTTTCTCCCTTTTTTTCTGAAGGAGCTGGGATCTCCCAGCAGGACAG[A>G]CCCTCTCGATGGTGATGTTCAGCCAGCAACGTGGCGTCTATCTGCCCTGCCGCCCCGCCT-3'
Protein context (NP_689632.2, residues 210-230): NSELGSPSRT[Asp220Gly]PLDGDVQPAT